The following is an entry in ClinVar:

ClinVar aggregate classification (germline): Uncertain significance. Review status: criteria provided, multiple submitters, no conflicts (2 of 4 stars). 3 submissions from 3 submitters: Uncertain significance (3). Last evaluated 2026-10-01.

Conditions:
Juvenile polyposis syndrome (JPS). Identifiers: Orphanet 2929, MedGen C0345893, MONDO:0017380, OMIM 174900.
Hereditary cancer-predisposing syndrome. Also called: Hereditary neoplastic syndrome; Neoplastic Syndromes, Hereditary; Hereditary Cancer Syndrome; Tumor predisposition. Identifiers: Orphanet 140162, MedGen C0027672, MeSH D009386, MONDO:0015356.

Allele frequency attached by ClinVar (database versions not stated): gnomAD exomes below 0.00001; ESP Exome Variant Server 0.00008.
gnomAD v4.1: 2 of 1,614,108 alleles (0.00012%); highest among the groups gnomAD compares: South Asian, 0.0011%; no homozygotes.

Submissions (3):

St. Jude Molecular Pathology, St. Jude Children's Research Hospital
Classification: Uncertain significance for Juvenile polyposis syndrome. Last evaluated: 2026-10-01. Review status: criteria provided, single submitter. Criteria: St. Jude Assertion Criteria 2020. Collection method: clinical testing. Allele origin: germline.
Comment: The BMPR1A c.841G>A p.(Val281Met) missense change has a maximum subpopulation frequency of 0.0009% in gnomAD v2.1.1. The in silico tool REVEL is inconclusive about a pathogenic or benign effect of this variant on protein function, and to our knowledge functional studies have not been performed. To our knowledge, this variant has not been reported in individuals with juvenile polyposis syndrome. In summary, the evidence currently available is in sufficient to determine the clinical significance of this variant. It has therefore been classified as of uncertain significance.

Labcorp Genetics (formerly Invitae), Labcorp
Classification: Uncertain significance for Juvenile polyposis syndrome. Last evaluated: 2024-06-06. Review status: criteria provided, single submitter. Criteria: Invitae Variant Classification Sherloc (09022015). Collection method: clinical testing. Allele origin: germline.
Comment: This sequence change replaces valine, which is neutral and non-polar, with methionine, which is neutral and non-polar, at codon 281 of the BMPR1A protein (p.Val281Met). This variant is not present in population databases (gnomAD no frequency). This variant has not been reported in the literature in individuals affected with BMPR1A-related conditions. ClinVar contains an entry for this variant (Variation ID: 429094). Advanced modeling of protein sequence and biophysical properties (such as structural, functional, and spatial information, amino acid conservation, physicochemical variation, residue mobility, and thermodynamic stability) performed at Invitae indicates that this missense variant is not expected to disrupt BMPR1A protein function with a negative predictive value of 80%. In summary, the available evidence is currently insufficient to determine the role of this variant in disease. Therefore, it has been classified as a Variant of Uncertain Significance.

Ambry Genetics
Classification: Uncertain significance for Hereditary cancer-predisposing syndrome. Last evaluated: 2019-06-14. Review status: criteria provided, single submitter. Criteria: Ambry Variant Classification Scheme 2023. Collection method: clinical testing. Allele origin: germline.
Comment: The p.V281M variant (also known as c.841G>A), located in coding exon 7 of the BMPR1A gene, results from a G to A substitution at nucleotide position 841. The valine at codon 281 is replaced by methionine, an amino acid with highly similar properties. This amino acid position is highly conserved in available vertebrate species. In addition, the in silico prediction by BayesDel for this alteration is tolerated. Since supporting evidence is limited at this time, the clinical significance of this alteration remains unclear.

NM_004329.3(BMPR1A):c.841G>A (p.Val281Met)

Gene: BMPR1A (bone morphogenetic protein receptor type 1A; plus strand). Cytogenetic location: 10q23.2.
Variant type: single nucleotide variant.
Coding change: c.841G>A on transcript NM_004329.3 (MANE Select); coding-DNA position 841, G replaced by A.
Protein change: p.Val281Met; replaces valine 281 with methionine.
Molecular consequence: missense variant.
Genome position (GRCh38, 1-based): chr10:86,917,299, G>A. VCF-style: chr10-86917299-G-A. GRCh37 (hg19) VCF-style: chr10-88677056-G-A.
Other names: short protein forms V281M.
Identifiers: ClinVar variation 429094 (VCV000429094.8), dbSNP rs141625907, ClinGen allele CA211207097.